The following is an entry in ClinVar:

NM_022489.4(INF2):c.1484C>T (p.Pro495Leu)

Gene: INF2 (inverted formin 2; plus strand). Cytogenetic location: 14q32.33.
Variant type: single nucleotide variant.
Coding change: c.1484C>T on transcript NM_022489.4 (MANE Select); coding-DNA position 1484, C replaced by T.
Protein change: p.Pro495Leu; replaces proline 495 with leucine.
Molecular consequence: missense variant.
Genome position (GRCh38, 1-based): chr14:104,707,751, C>T. VCF-style: chr14-104707751-C-T. GRCh37 (hg19) VCF-style: chr14-105174088-C-T.
Other names: c.1484C>T, p.Pro495Leu (NM_001031714.4); short protein forms P495L.
Identifiers: ClinVar variation 1464361 (VCV001464361.8), dbSNP rs756913857, ClinGen allele CA7372575.

ClinVar aggregate classification (germline): Uncertain significance (1 of 4 stars; one submission).

Conditions:
Charcot-Marie-Tooth disease dominant intermediate E. Also called: CHARCOT-MARIE-TOOTH NEUROPATHY WITH FOCAL SEGMENTAL GLOMERULONEPHRITIS. Identifiers: Orphanet 93114, MedGen C4302667, MONDO:0013758, OMIM 614455.
Focal segmental glomerulosclerosis 5 (FSGS5). Identifiers: Orphanet 656, MedGen C2750475, MONDO:0013191, OMIM 613237.

Allele frequency attached by ClinVar (database versions not stated): gnomAD exomes 0.00001.

Submission:

Labcorp Genetics (formerly Invitae), Labcorp
Classification: Uncertain significance for Charcot-Marie-Tooth disease dominant intermediate E; Focal segmental glomerulosclerosis 5. Last evaluated: 2024-07-30. Review status: criteria provided, single submitter. Criteria: Invitae Variant Classification Sherloc (09022015). Collection method: clinical testing. Allele origin: germline.
Comment: This sequence change replaces proline, which is neutral and non-polar, with leucine, which is neutral and non-polar, at codon 495 of the INF2 protein (p.Pro495Leu). This variant is present in population databases (rs756913857, gnomAD 0.004%). This variant has not been reported in the literature in individuals affected with INF2-related conditions. ClinVar contains an entry for this variant (Variation ID: 1464361). Advanced modeling of protein sequence and biophysical properties (such as structural, functional, and spatial information, amino acid conservation, physicochemical variation, residue mobility, and thermodynamic stability) has been performed at Invitae for this missense variant, however the output from this modeling did not meet the statistical confidence thresholds required to predict the impact of this variant on INF2 protein function. In summary, the available evidence is currently insufficient to determine the role of this variant in disease. Therefore, it has been classified as a Variant of Uncertain Significance.